The following is an entry in ClinVar:

NM_000260.4(MYO7A):c.1680_1681dup (p.Glu561fs)

Gene: MYO7A (myosin VIIA; plus strand). Cytogenetic location: 11q13.5.
Variant type: Duplication.
Coding change: c.1680_1681dup on transcript NM_000260.4 (MANE Select); coding-DNA positions 1680 to 1681, 2 bases duplicated (TG; older notation c.1680_1681dupTG).
Protein change: p.Glu561fs; shifts the reading frame from glutamic acid 561.
Molecular consequence: frameshift variant.
Genome position (GRCh38, 1-based): chr11:77,162,978-77,162,979, TG duplicated. VCF-style (leftmost placement, unchanged base first): chr11-77162977-A-ATG. GRCh37 (hg19) VCF-style: chr11-76874023-A-ATG.
Other names: c.1680_1681dup, p.Glu561fs (NM_001127180.2); c.1647_1648dup, p.Glu550fs (NM_001369365.1); short protein forms E550fs, E561fs.
Identifiers: ClinVar variation 4058237 (VCV004058237.2).

ClinVar aggregate classification (germline): Likely pathogenic (1 of 4 stars; one submission).

Conditions:
Usher syndrome type 1B (USH1B). Also called: Usher syndrome type IB. Identifiers: MedGen C1848638, MONDO:0700087.

Submission:

Natera, Inc.
Classification: Likely pathogenic for Usher syndrome type 1B. Last evaluated: 2025-01-09. Review status: criteria provided, single submitter. Criteria: Natera Variant Classification Schema (03/2026). Collection method: clinical testing. Allele origin: germline.
Comment: The c.1680_1681dup variant in MYO7A is a frameshift variant predicted to shift the reading frame beginning at codon 561 and leads to a stop codon 62 codons downstream. This variant is expected to result in nonsense mediated decay, truncation, or a dysfunctional protein product. This variant is rare in the general population with a frequency below the threshold expected for the associated phenotype(s). Given the available evidence, this variant is classified as Likely Pathogenic.